The following is an entry in ClinVar:

NM_018896.5(CACNA1G):c.5316G>C (p.Glu1772Asp)

Gene: CACNA1G (calcium voltage-gated channel subunit alpha1 G; plus strand). Cytogenetic location: 17q21.33.
Variant type: single nucleotide variant.
Coding change: c.5316G>C on transcript NM_018896.5 (MANE Select); coding-DNA position 5316, G replaced by C.
Protein change: p.Glu1772Asp; replaces glutamic acid 1772 with aspartic acid.
Molecular consequence: missense variant. On other transcripts: non-coding transcript variant (5).
Genome position (GRCh38, 1-based): chr17:50,618,232, G>C. VCF-style: chr17-50618232-G-C. GRCh37 (hg19) VCF-style: chr17-48695593-G-C.
Other names: c.5262G>C, p.Glu1754Asp (NM_001256324.2, NM_198386.3); c.5337G>C, p.Glu1779Asp (NM_001256325.2); c.5181G>C, p.Glu1727Asp (NM_001256326.2, NM_001256330.2); c.5295G>C, p.Glu1765Asp (NM_001256327.2); c.5241G>C, p.Glu1747Asp (NM_001256328.2); c.5214G>C, p.Glu1738Asp (NM_001256329.2, NM_198376.3, NM_198379.3 and 2 more transcripts); c.5160G>C, p.Glu1720Asp (NM_001256331.2); c.5145G>C, p.Glu1715Asp (NM_001256332.2); and 7 more; short protein forms E1715D, E1720D, E1727D, E1731D, E1734D, E1736D, E1738D, E1745D.
Identifiers: ClinVar variation 1314669 (VCV001314669.2), dbSNP rs763525253, ClinGen allele CA8653375.
Genomic context (GRCh38, chr17:50,618,232, plus strand): 5'-GGGGGCTCCTGGACTAACATGGGCCTCTCCCCCTTTCCCTCCTCCCCCAGAGTGTGACGA[G>C]ACACACCCCTGTGAGGGCCTGGGCCGTCATGCCACCTTTCGGAACTTTGGCATGGCCTTC-3'
Protein context (NP_061496.2, residues 1762-1782): VELFGDLECD[Glu1772Asp]THPCEGLGRH

ClinVar aggregate classification (germline): Uncertain significance (1 of 4 stars; one submission).

Allele frequency attached by ClinVar (database versions not stated): TOPMed 0.00001.

Submission:

GeneDx
Classification: Uncertain significance. Last evaluated: 2021-04-14. Review status: criteria provided, single submitter. Criteria: GeneDx Variant Classification Process June 2021. Collection method: clinical testing. Allele origin: germline. Affected: yes.
Comment: In silico analysis supports that this missense variant does not alter protein structure/function; Has not been previously published as pathogenic or benign to our knowledge